The following is an entry in ClinVar:

ClinVar aggregate classification (germline): Conflicting classifications of pathogenicity. Review status: criteria provided, conflicting classifications (1 of 4 stars). 2 submissions from 2 submitters: Pathogenic (1); Uncertain significance (1). Last evaluated 2018-08-25.

Conditions:
Restrictive cardiomyopathy. Identifiers: Orphanet 217632, MedGen C0007196, MeSH D002313, MONDO:0005201, HP:0001723.
Hypertrophic cardiomyopathy 26. Also called: Cardiomyopathy, familial hypertrophic, 26. Identifiers: Orphanet 75249, MedGen C4310749, MONDO:0014883, OMIM 617047.
Distal myopathy with posterior leg and anterior hand involvement. Also called: WILLIAMS DISTAL MYOPATHY. Identifiers: Orphanet 63273, MedGen C3279722, MONDO:0013550, OMIM 614065.
Myofibrillar myopathy 5. Also called: Filaminopathy (type); FILAMINOPATHY, AUTOSOMAL DOMINANT. Identifiers: Orphanet 171445, MedGen C1836050, MONDO:0012289, OMIM 609524.

Submissions (2):

Labcorp Genetics (formerly Invitae), Labcorp
Classification: Uncertain significance for Distal myopathy with posterior leg and anterior hand involvement; Myofibrillar myopathy 5; Hypertrophic cardiomyopathy 26. Last evaluated: 2018-08-25. Review status: criteria provided, single submitter. Criteria: Invitae Variant Classification Sherloc (09022015). Collection method: clinical testing. Allele origin: germline.
Comment: In summary, the available evidence is currently insufficient to determine the role of this variant in disease. Therefore, it has been classified as a Variant of Uncertain Significance. The observation of one or more missense substitutions at this codon (p.Pro2298Leu and p.Pro2298Ser) in affected individuals suggests that this may be a clinically significant residue (PMID: 28356264, Invitae). Algorithms developed to predict the effect of missense changes on protein structure and function are either unavailable or do not agree on the potential impact of this missense change (SIFT: "Deleterious"; PolyPhen-2: "Probably Damaging"; Align-GVGD: "Class C0"). This variant has been observed to segregate with restrictive cardiomyopathy in a family (Invitae). This variant is not present in population databases (ExAC no frequency). This sequence change replaces proline with leucine at codon 2298 of the FLNC protein (p.Pro2298Leu). The proline residue is highly conserved and there is a moderate physicochemical difference between proline and leucine.

Stephanie Ware Laboratory, Indiana University School of Medicine
Classification: Pathogenic for Cardiomyopathy, restrictive. Last evaluated: 2018-04-01. Review status: criteria provided, single submitter. Criteria: ACMG Guidelines, 2015. Collection method: research, in vitro. Allele origin: paternal, not applicable. Affected: yes. Observed: 4 variant alleles.

Literature cited by the submitters: PubMed 28356264 (cited by Labcorp Genetics (formerly Invitae), Labcorp); PubMed 30260051 (cited by Stephanie Ware Laboratory, Indiana University School of Medicine).

NM_001458.5(FLNC):c.6893C>T (p.Pro2298Leu)

Genes: FLNC (filamin C; plus strand), FLNC-AS1 (FLNC antisense RNA 1; minus strand). Cytogenetic location: 7q32.1.
Variant type: single nucleotide variant.
Coding change: c.6893C>T on transcript NM_001458.5 (MANE Select); coding-DNA position 6893, C replaced by T.
Protein change: p.Pro2298Leu; replaces proline 2298 with leucine.
Molecular consequence: missense variant.
Genome position (GRCh38, 1-based): chr7:128,854,578, C>T. VCF-style: chr7-128854578-C-T. GRCh37 (hg19) VCF-style: chr7-128494632-C-T.
Other names: c.6794C>T, p.Pro2265Leu (NM_001127487.2); short protein forms P2298L, P2265L.
Identifiers: ClinVar variation 549663 (VCV000549663.9), dbSNP rs1382734231, ClinGen allele CA369214090.